The following is an entry in ClinVar:

ClinVar aggregate classification (germline): Uncertain significance. Review status: criteria provided, multiple submitters, no conflicts (2 of 4 stars). 3 submissions from 3 submitters: Uncertain significance (3). Last evaluated 2022-09-23.

Conditions:
Hereditary cancer-predisposing syndrome. Also called: Neoplastic Syndromes, Hereditary; Hereditary Cancer Syndrome; Tumor predisposition; Hereditary neoplastic syndrome. Identifiers: Orphanet 140162, MedGen C0027672, MeSH D009386, MONDO:0015356.
Tuberous sclerosis 2 (TSC2). Identifiers: Orphanet 805, MedGen C1860707, MONDO:0013199, OMIM 613254.

Submissions (3):

Labcorp Genetics (formerly Invitae), Labcorp
Classification: Uncertain significance for Tuberous sclerosis 2. Last evaluated: 2022-09-23. Review status: criteria provided, single submitter. Criteria: Invitae Variant Classification Sherloc (09022015). Collection method: clinical testing. Allele origin: germline.
Comment: This sequence change replaces phenylalanine, which is neutral and non-polar, with serine, which is neutral and polar, at codon 1803 of the TSC2 protein (p.Phe1803Ser). This variant is not present in population databases (gnomAD no frequency). This variant has not been reported in the literature in individuals affected with TSC2-related conditions. ClinVar contains an entry for this variant (Variation ID: 1692510). Advanced modeling of protein sequence and biophysical properties (such as structural, functional, and spatial information, amino acid conservation, physicochemical variation, residue mobility, and thermodynamic stability) has been performed at Invitae for this missense variant, however the output from this modeling did not meet the statistical confidence thresholds required to predict the impact of this variant on TSC2 protein function. In summary, the available evidence is currently insufficient to determine the role of this variant in disease. Therefore, it has been classified as a Variant of Uncertain Significance.

Ambry Genetics
Classification: Uncertain significance for Hereditary cancer-predisposing syndrome. Last evaluated: 2022-03-01. Review status: criteria provided, single submitter. Criteria: Ambry Variant Classification Scheme 2023. Collection method: clinical testing. Allele origin: germline.
Comment: The p.F1803S variant (also known as c.5408T>C), located in coding exon 41 of the TSC2 gene, results from a T to C substitution at nucleotide position 5408. The phenylalanine at codon 1803 is replaced by serine, an amino acid with highly dissimilar properties. This amino acid position is conserved. In addition, this alteration is predicted to be deleterious by in silico analysis. Since supporting evidence is limited at this time, the clinical significance of this alteration remains unclear.

Sema4
Classification: Uncertain significance for Hereditary cancer-predisposing syndrome. Last evaluated: 2021-11-15. Review status: criteria provided, single submitter. Criteria: Sema4 Curation Guidelines. Collection method: curation. Allele origin: germline.
Comment: The TSC2 c.5408T>C (p.F1803S) variant has not been reported in the literature to our knowledge. It was not observed in the large and broad cohorts of the Genome Aggregation Database. The variant has not been reported in ClinVar. In silico tools suggest the impact of the variant on protein function is deleterious, though these predictions have not been confirmed by functional studies. The evidence is insufficient to meet ACMG/AMP criteria for classifying the variant as benign or pathogenic. Thus, the clinical significance of this variant is currently uncertain.

NM_000548.5(TSC2):c.5408T>C (p.Phe1803Ser)

Gene: TSC2 (TSC complex subunit 2; plus strand). Cytogenetic location: 16p13.3.
Variant type: single nucleotide variant.
Coding change: c.5408T>C on transcript NM_000548.5 (MANE Select); coding-DNA position 5408, T replaced by C.
Protein change: p.Phe1803Ser; replaces phenylalanine 1803 with serine.
Molecular consequence: missense variant.
Genome position (GRCh38, 1-based): chr16:2,088,594, T>C. VCF-style: chr16-2088594-T-C. GRCh37 (hg19) VCF-style: chr16-2138595-T-C.
Other names: c.5207T>C, p.Phe1736Ser (NM_001077183.3); c.5339T>C, p.Phe1780Ser (NM_001114382.3); c.5099T>C, p.Phe1700Ser (NM_001318827.2); c.5063T>C, p.Phe1688Ser (NM_001318829.2); c.4676T>C, p.Phe1559Ser (NM_001318831.2); c.5240T>C, p.Phe1747Ser (NM_001318832.2); c.5210T>C, p.Phe1737Ser (NM_001363528.2); c.5276T>C, p.Phe1759Ser (NM_001370404.1); and 2 more; short protein forms F1559S, F1688S, F1700S, F1736S, F1737S, F1747S, F1756S, F1759S.
Identifiers: ClinVar variation 1692510 (VCV001692510.9), dbSNP rs2151643160, ClinGen allele CA394316216.